The following is an entry in ClinVar:

ClinVar aggregate classification (germline): Pathogenic/Likely pathogenic. Review status: criteria provided, multiple submitters, no conflicts (2 of 4 stars). 2 submissions from 2 submitters: Pathogenic (1); Likely pathogenic (1). Last evaluated 2025-06-04.

Conditions:
Episodic ataxia type 2 (EA2). Also called: ACETAZOLAMIDE-RESPONSIVE HEREDITARY PAROXYSMAL CEREBELLAR ATAXIA; ATAXIA, EPISODIC, WITH NYSTAGMUS; ATAXIA, FAMILIAL PAROXYSMAL; CEREBELLAR ATAXIA, PAROXYSMAL, ACETAZOLAMIDE-RESPONSIVE; CEREBELLOPATHY, HEREDITARY PAROXYSMAL; EPISODIC ATAXIA, NYSTAGMUS-ASSOCIATED. Identifiers: Orphanet 97, MedGen C1720416, MONDO:0007163, OMIM 108500.

Submissions (2):

GeneDx
Classification: Pathogenic. Last evaluated: 2025-06-04. Review status: criteria provided, single submitter. Criteria: GeneDx Variant Classification Process June 2021. Collection method: clinical testing. Allele origin: germline. Affected: yes.
Comment: Not observed at significant frequency in large population cohorts (gnomAD); In silico analysis supports that this missense variant has a deleterious effect on protein structure/function; Has not been previously published as pathogenic or benign to our knowledge

Mendelics
Classification: Likely pathogenic for Episodic ataxia type 2. Last evaluated: 2019-05-28. Review status: criteria provided, single submitter. Criteria: Mendelics Assertion Criteria 2017. Collection method: clinical testing. Allele origin: unknown.

NM_001127222.2(CACNA1A):c.644T>C (p.Val215Ala)

Gene: CACNA1A (calcium voltage-gated channel subunit alpha1 A; minus strand). Cytogenetic location: 19p13.13.
Variant type: single nucleotide variant.
Coding change: c.644T>C on transcript NM_001127222.2 (MANE Select); coding-DNA position 644, T replaced by C.
Protein change: p.Val215Ala; replaces valine 215 with alanine.
Molecular consequence: missense variant.
Genome position (GRCh38, 1-based): chr19:13,365,457, A>G on the plus strand (T>C on the coding strand, the complement: CACNA1A is on the minus strand). VCF-style: chr19-13365457-A-G. GRCh37 (hg19) VCF-style: chr19-13476271-A-G.
Other names: c.644T>C (NM_001127221.1); c.644T>C, p.Val215Ala (NM_000068.4, NM_001127221.2, NM_001174080.2 and 1 more transcripts); short protein forms V215A.
Identifiers: ClinVar variation 803536 (VCV000803536.2), dbSNP rs1599292631, ClinGen allele CA404348674.
Genomic context (GRCh38, chr19:13,365,457, plus strand): 5'-AAAAATAGGAGGAGGCCGATCTGCAGCAAAGGGATCATCGCCTTCATGATCGACTTCAGG[A>G]CGACTTGTAAACCTGGGGGGACACAGAGAGAGGCCCCATAAGCCCATGAGCAAGTACCCC-3'
Protein context (NP_001120694.1, residues 205-225): LVSGIPSLQV[Val215Ala]LKSIMKAMIP